The following is an entry in ClinVar:

ClinVar aggregate classification (germline): Conflicting classifications of pathogenicity. Review status: criteria provided, conflicting classifications (1 of 4 stars). 7 submissions from 7 submitters: Uncertain significance (4); Likely benign (2). 1 of the submissions does not count toward it. Last evaluated 2025-10-01.

Conditions:
Inborn genetic diseases. Identifiers: MedGen C0950123, MeSH D030342.
ESPN-related disorder. Also called: ESPN-related condition.

Allele frequency attached by ClinVar (database versions not stated): gnomAD 0.00012; TOPMed 0.00014; gnomAD exomes 0.00031; ExAC 0.00056.
gnomAD v4.1: 165 of 1,560,526 alleles (0.011%); highest among the groups gnomAD compares: Admixed American, 0.023%; 1 homozygote.

Submissions (7):

Labcorp Genetics (formerly Invitae), Labcorp
Classification: Likely benign. Last evaluated: 2025-10-01. Review status: criteria provided, single submitter. Criteria: Invitae Variant Classification Sherloc (09022015). Collection method: clinical testing. Allele origin: germline.

GeneDx
Classification: Uncertain significance. Last evaluated: 2025-04-10. Review status: criteria provided, single submitter. Criteria: GeneDx Variant Classification Process June 2021. Collection method: clinical testing. Allele origin: germline. Affected: yes.
Comment: In silico analysis indicates that this missense variant does not alter protein structure/function; Has not been previously published as pathogenic or benign to our knowledge

Mayo Clinic Laboratories, Mayo Clinic
Classification: Likely benign. Last evaluated: 2024-11-26. Review status: criteria provided, single submitter. Criteria: ACMG Guidelines, 2015. Collection method: clinical testing. Allele origin: germline. Observed: 1 variant allele.
Comment: BS2, BP4

Blueprint Genetics
Classification: Uncertain significance. Last evaluated: 2023-07-21. Review status: criteria provided, single submitter. Criteria: ACMG Guidelines, 2015. Collection method: clinical testing. Allele origin: germline.

Ambry Genetics
Classification: Uncertain significance for Inborn genetic diseases. Last evaluated: 2023-02-23. Review status: criteria provided, single submitter. Criteria: Ambry Variant Classification Scheme 2023. Collection method: clinical testing. Allele origin: germline.

Breakthrough Genomics
Classification: Uncertain significance. Review status: criteria provided, single submitter. Criteria: ACMG Guidelines, 2015. Collection method: not provided. Allele origin: germline. Inheritance: Autosomal recessive inheritance. Affected: yes.

PreventionGenetics, part of Exact Sciences
Classification: Likely benign for ESPN-related condition. Last evaluated: 2022-02-23. Review status: no assertion criteria provided. Collection method: clinical testing. Allele origin: germline. Not counted in ClinVar's aggregate classification.
Comment: This variant is classified as likely benign based on ACMG/AMP sequence variant interpretation guidelines (Richards et al. 2015 PMID: 25741868, with internal and published modifications).

NM_031475.3(ESPN):c.1489G>A (p.Gly497Arg)

Gene: ESPN (espin; plus strand). Cytogenetic location: 1p36.31.
Variant type: single nucleotide variant.
Coding change: c.1489G>A on transcript NM_031475.3 (MANE Select); coding-DNA position 1489, G replaced by A.
Protein change: p.Gly497Arg; replaces glycine 497 with arginine.
Molecular consequence: missense variant.
Genome position (GRCh38, 1-based): chr1:6,448,665, G>A. VCF-style: chr1-6448665-G-A. GRCh37 (hg19) VCF-style: chr1-6508725-G-A.
Other names: p.Gly497Arg; c.1489G>A, p.Gly497Arg (NM_001367473.1, NM_001367474.1); short protein forms G497R.
Identifiers: ClinVar variation 1343069 (VCV001343069.13), dbSNP rs752185152, ClinGen allele CA560266.
Genomic context (GRCh38, chr1:6,448,665, plus strand): 5'-GGTGCCCGAGCCCCACCGGTCACTGTCTTCCCGCAGCTGAGCTCCTGTGACGGCCACGAC[G>A]GGCTGCGGAGGCAGGACTCCAGCCGCAAGCCCCGCGCCTTCAGCAAGCAGCCCAGCACGG-3'
Protein context (NP_113663.2, residues 487-507): KELSSCDGHD[Gly497Arg]LRRQDSSRKP